The following is an entry in ClinVar:

NM_003107.3(SOX4):c.332dup (p.Ala112fs)

Gene: SOX4 (SRY-box transcription factor 4; plus strand). Cytogenetic location: 6p22.3.
Variant type: Duplication.
Coding change: c.332dup on transcript NM_003107.3 (MANE Select); coding-DNA position 332, one base duplicated (A; older notation c.332dupA).
Protein change: p.Ala112fs; shifts the reading frame from alanine 112.
Molecular consequence: frameshift variant.
Genome position (GRCh38, 1-based): chr6:21,594,866, A duplicated. VCF-style (leftmost placement, unchanged base first): chr6-21594865-G-GA. GRCh37 (hg19) VCF-style: chr6-21595096-G-GA.
Other names: short protein forms A112fs.
Identifiers: ClinVar variation 4813418 (VCV004813418.1).

ClinVar aggregate classification (germline): Likely pathogenic (1 of 4 stars; one submission).

Conditions:
Coffin-Siris syndrome 10. Also called: INTELLECTUAL DEVELOPMENTAL DISORDER WITH SPEECH DELAY AND DYSMORPHIC FACIES. Identifiers: MedGen C4760583, MONDO:0032791, OMIM 618506.

Submission:

MVZ Praenatalmedizin und Genetik Nuernberg
Classification: Likely pathogenic for Coffin-Siris syndrome 10. Last evaluated: 2022-03-11. Review status: criteria provided, single submitter. Criteria: ACMG Guidelines, 2015. Collection method: clinical testing. Allele origin: de novo. Affected: yes.
Comment: This mutation leads to a frameshift in the first third of the only coding exon of SOX4. A loss-of-function effect is plausible, which corresponds to the typical pathomechanism for this gene (GeneReviews). Accordingly, a further downstream nonsense variant (p.Ser347Ter) in a Coffin-Siris syndrome case is also already listed in ClinVar as likely pathogenic. In summary, based on the current data, we believe this is a likely pathogenic gene mutation for SOX4-associated Coffin-Siris syndrome 10.